The following is an entry in ClinVar:

NM_004415.4(DSP):c.5004dup (p.Leu1669fs)

Gene: DSP (desmoplakin; plus strand). Cytogenetic location: 6p24.3.
Variant type: Duplication.
Coding change: c.5004dup on transcript NM_004415.4 (MANE Select); coding-DNA position 5004, one base duplicated (A; older notation c.5004dupA).
Protein change: p.Leu1669fs; shifts the reading frame from leucine 1669.
Molecular consequence: frameshift variant. On other transcripts: intron variant (2).
Genome position (GRCh38, 1-based): chr6:7,581,194, A duplicated. VCF-style (leftmost placement, unchanged base first): chr6-7581193-T-TA. GRCh37 (hg19) VCF-style: chr6-7581426-T-TA.
Other names: c.4050+954dup (NM_001319034.2); c.3582+1422dup (NM_001008844.3); short protein forms L1669fs.
Identifiers: ClinVar variation 1452172 (VCV001452172.7), dbSNP rs2113695398, ClinGen allele CA2573140808.
Genomic context (GRCh38, chr6:7,581,193, plus strand): 5'-AGAGGACCCAGGAAGAGCTGAGGAGGCTCTCTTCTGAGGTCGAGGCCCTGAGGCGGCAGT[T>TA]ACTCCAGGAACAGGAAAGTGTCAAACAAGCTCACTTGAGGAATGAGCATTTCCAGAAGGC-3'

ClinVar aggregate classification (germline): Pathogenic. Review status: criteria provided, multiple submitters, no conflicts (2 of 4 stars). 2 submissions from 2 submitters: Pathogenic (2). Last evaluated 2025-10-14.

Conditions:
Arrhythmogenic cardiomyopathy with wooly hair and keratoderma. Also called: Dilated cardiomyopathy with woolly hair and keratoderma; Arrhythmogenic cardiomyopathy with woolly hair and keratoderma; Carvajal syndrome; PALMOPLANTAR KERATODERMA WITH LEFT VENTRICULAR CARDIOMYOPATHY AND WOOLLY HAIR. Identifiers: Orphanet 65282, MedGen C1854063, MONDO:0011581, OMIM 605676.
Arrhythmogenic right ventricular dysplasia 8 (ARVD8). Also called: ARRHYTHMOGENIC RIGHT VENTRICULAR DYSPLASIA, FAMILIAL, 8; ARRHYTHMOGENIC RIGHT VENTRICULAR CARDIOMYOPATHY 8; Arrhythmogenic Right Ventricular Dysplasia/Cardiomyopathy 8. Identifiers: MedGen C1843896, MONDO:0011831, OMIM 607450.
DSP-related disorder. Also called: DSP-related disorders; DSP-related condition.

Submissions (2):

Labcorp Genetics (formerly Invitae), Labcorp
Classification: Pathogenic for Arrhythmogenic cardiomyopathy with wooly hair and keratoderma; Arrhythmogenic right ventricular dysplasia 8. Last evaluated: 2025-10-14. Review status: criteria provided, single submitter. Criteria: Invitae Variant Classification Sherloc (09022015). Collection method: clinical testing. Allele origin: germline.
Comment: This sequence change creates a premature translational stop signal (p.Leu1669Thrfs*15) in the DSP gene. It is expected to result in an absent or disrupted protein product. Loss-of-function variants in DSP are known to be pathogenic (PMID: 20716751, 24503780, 25227139, 30398466). This variant is not present in population databases (gnomAD no frequency). This variant has not been reported in the literature in individuals affected with DSP-related conditions. ClinVar contains an entry for this variant (Variation ID: 1452172). For these reasons, this variant has been classified as Pathogenic.

Blueprint Genetics
Classification: Pathogenic for DSP-related disorders. Last evaluated: 2023-12-14. Review status: criteria provided, single submitter. Criteria: ACMG Guidelines, 2015. Collection method: clinical testing. Allele origin: germline. Affected: yes. Observed: 2 variant alleles.

Literature cited by the submitters: PubMed 20716751 (cited by Labcorp Genetics (formerly Invitae), Labcorp); PubMed 24503780 (cited by Labcorp Genetics (formerly Invitae), Labcorp); PubMed 25227139 (cited by Labcorp Genetics (formerly Invitae), Labcorp); PubMed 30398466 (cited by Labcorp Genetics (formerly Invitae), Labcorp).